The following is an entry in ClinVar:

NM_001267550.2(TTN):c.104209G>A (p.Ala34737Thr)

Genes: TTN (titin; minus strand), TTN-AS1 (TTN antisense RNA 1; plus strand). Cytogenetic location: 2q31.2.
Variant type: single nucleotide variant.
Coding change: c.104209G>A on transcript NM_001267550.2 (MANE Select); coding-DNA position 104209, G replaced by A.
Protein change: p.Ala34737Thr; replaces alanine 34737 with threonine.
Molecular consequence: missense variant.
Genome position (GRCh38, 1-based): chr2:178,532,406, C>T on the plus strand (G>A on the coding strand, the complement: TTN is on the minus strand). VCF-style: chr2-178532406-C-T. GRCh37 (hg19) VCF-style: chr2-179397133-C-T.
Other names: c.99286G>A, p.Ala33096Thr (NM_001256850.1); c.77014G>A, p.Ala25672Thr (NM_003319.4); c.96505G>A, p.Ala32169Thr (NM_133378.4); c.77389G>A, p.Ala25797Thr (NM_133432.3); c.77590G>A, p.Ala25864Thr (NM_133437.4); short protein forms A25672T, A25797T, A32169T, A33096T, A34737T, A25864T.
Identifiers: ClinVar variation 2942996 (VCV002942996.3), dbSNP rs767920614, ClinGen allele CA1985463.

ClinVar aggregate classification (germline): Uncertain significance (1 of 4 stars; one submission).

Conditions:
Dilated cardiomyopathy 1G (CMD1G). Identifiers: Orphanet 154, MedGen C1858763, MONDO:0011400, OMIM 604145.
Autosomal recessive limb-girdle muscular dystrophy type 2J (LGMDR10). Also called: MUSCULAR DYSTROPHY, LIMB-GIRDLE, AUTOSOMAL RECESSIVE 10; Limb-girdle muscular dystrophy, type 2J. Identifiers: Orphanet 140922, MedGen C1837342, MONDO:0012127, OMIM 608807.

Allele frequency attached by ClinVar (database versions not stated): gnomAD exomes below 0.00001; ExAC 0.00001.
gnomAD v4.1: 2 of 1,613,952 alleles (0.00012%); highest among the groups gnomAD compares: South Asian, 0.0022%; no homozygotes.

Submission:

Labcorp Genetics (formerly Invitae), Labcorp
Classification: Uncertain significance for Dilated cardiomyopathy 1G; Autosomal recessive limb-girdle muscular dystrophy type 2J. Last evaluated: 2023-01-07. Review status: criteria provided, single submitter. Criteria: Invitae Variant Classification Sherloc (09022015). Collection method: clinical testing. Allele origin: germline.
Comment: This variant is present in population databases (rs767920614, gnomAD 0.003%). This sequence change replaces alanine, which is neutral and non-polar, with threonine, which is neutral and polar, at codon 34737 of the TTN protein (p.Ala34737Thr). This variant has not been reported in the literature in individuals affected with TTN-related conditions. This variant is located in the M band of TTN (PMID: 25589632). Variants in this region may be relevant for neuromuscular disorders, but have not been definitively shown to cause cardiomyopathy (PMID: 23975875). In summary, the available evidence is currently insufficient to determine the role of this variant in disease. Therefore, it has been classified as a Variant of Uncertain Significance. Algorithms developed to predict the effect of missense changes on protein structure and function output the following: SIFT: "Not Available"; PolyPhen-2: "Not Available"; Align-GVGD: "Not Available". The threonine amino acid residue is found in multiple mammalian species, which suggests that this missense change does not adversely affect protein function.

Literature cited by the submitters: PubMed 25589632; PubMed 23975875.